The following is an entry in ClinVar:

ClinVar aggregate classification (germline): Likely pathogenic (1 of 4 stars; one submission).

Allele frequency attached by ClinVar (database versions not stated): gnomAD exomes below 0.00001.
gnomAD v4.1: 4 of 1,614,058 alleles (0.00025%); highest among the groups gnomAD compares: East Asian, 0.0022%; no homozygotes.

Submission:

Labcorp Genetics (formerly Invitae), Labcorp
Classification: Likely pathogenic. Last evaluated: 2022-11-29. Review status: criteria provided, single submitter. Criteria: Invitae Variant Classification Sherloc (09022015). Collection method: clinical testing. Allele origin: germline.
Comment: In summary, the currently available evidence indicates that the variant is pathogenic, but additional data are needed to prove that conclusively. Therefore, this variant has been classified as Likely Pathogenic. This variant disrupts the p.Gly427 amino acid residue in MUT. Other variant(s) that disrupt this residue have been determined to be pathogenic (PMID: 16281286, 25299208, 27233228). This suggests that this residue is clinically significant, and that variants that disrupt this residue are likely to be disease-causing. Advanced modeling of protein sequence and biophysical properties (such as structural, functional, and spatial information, amino acid conservation, physicochemical variation, residue mobility, and thermodynamic stability) performed at Invitae indicates that this missense variant is expected to disrupt MUT protein function. This variant has not been reported in the literature in individuals affected with MUT-related conditions. This variant is present in population databases (no rsID available, gnomAD 0.006%). This sequence change replaces glycine, which is neutral and non-polar, with serine, which is neutral and polar, at codon 427 of the MUT protein (p.Gly427Ser).

Literature cited by the submitters: PubMed 16281286; PubMed 25299208; PubMed 27233228.

NM_000255.4(MMUT):c.1279G>A (p.Gly427Ser)

Gene: MMUT (methylmalonyl-CoA mutase; minus strand). Cytogenetic location: 6p12.3.
Variant type: single nucleotide variant.
Coding change: c.1279G>A on transcript NM_000255.4 (MANE Select); coding-DNA position 1279, G replaced by A.
Protein change: p.Gly427Ser; replaces glycine 427 with serine.
Molecular consequence: missense variant.
Genome position (GRCh38, 1-based): chr6:49,451,519, C>T on the plus strand (G>A on the coding strand, the complement: MMUT is on the minus strand). VCF-style: chr6-49451519-C-T. GRCh37 (hg19) VCF-style: chr6-49419232-C-T.
Other names: short protein forms G427S.
Identifiers: ClinVar variation 2919978 (VCV002919978.3), dbSNP rs1368171478, ClinGen allele CA364398741.
Genomic context (GRCh38, chr6:49,451,519, plus strand): 5'-AACTTACCTTTAAAGCAGCATCATAAACATCATTTGTGAGACATTCCATCATGTAAGAAC[C>T]TCCCCAAGGATCAGCCACTTTGGGAATCCCAGATTCTTCTTGAATGATGATTTGTGTGTT-3'
Protein context (NP_000246.2, residues 417-437): GIPKVADPWG[Gly427Ser]SYMMECLTND